The following is an entry in ClinVar:

NM_000548.5(TSC2):c.2847A>G (p.Ile949Met)

Gene: TSC2 (TSC complex subunit 2; plus strand). Cytogenetic location: 16p13.3.
Variant type: single nucleotide variant.
Coding change: c.2847A>G on transcript NM_000548.5 (MANE Select); coding-DNA position 2847, A replaced by G.
Protein change: p.Ile949Met; replaces isoleucine 949 with methionine.
Molecular consequence: missense variant. On other transcripts: intron variant (9).
Genome position (GRCh38, 1-based): chr16:2,077,607, A>G. VCF-style: chr16-2077607-A-G. GRCh37 (hg19) VCF-style: chr16-2127608-A-G.
Other names: c.2847A>G, p.Ile949Met (NM_001114382.3); c.2837+1022A>G (NM_021055.3, NM_001370405.1, NM_001363528.2 and 2 more transcripts); c.2726+1022A>G (NM_001318827.2); c.2237+1022A>G (NM_001318831.2); c.2690+1022A>G (NM_001318829.2); c.2870+1022A>G (NM_001318832.2); short protein forms I949M.
Identifiers: ClinVar variation 963378 (VCV000963378.9), dbSNP rs1596374592, ClinGen allele CA394280767.
Genomic context (GRCh38, chr16:2,077,607, plus strand): 5'-TCCCGGGAGCTGGGCTCTCTGGGGCGTTGGGGCTCCTTCCTCACCCGATAGTCTGAGGAT[A>G]GCCAGACCCCCCAAACAAGGCTTGAATAACTCTCCACCCGTGAAAGAATTCAAGGAGAGC-3'
Protein context (NP_000539.2, residues 939-959): SLNERPKSLR[Ile949Met]ARPPKQGLNN

ClinVar aggregate classification (germline): Uncertain significance (1 of 4 stars; one submission).

Conditions:
Tuberous sclerosis 2 (TSC2). Identifiers: Orphanet 805, MedGen C1860707, MONDO:0013199, OMIM 613254.

Submission:

Labcorp Genetics (formerly Invitae), Labcorp
Classification: Uncertain significance for Tuberous sclerosis 2. Last evaluated: 2024-11-09. Review status: criteria provided, single submitter. Criteria: Invitae Variant Classification Sherloc (09022015). Collection method: clinical testing. Allele origin: germline.
Comment: This sequence change replaces isoleucine, which is neutral and non-polar, with methionine, which is neutral and non-polar, at codon 949 of the TSC2 protein (p.Ile949Met). This variant is not present in population databases (gnomAD no frequency). This variant has not been reported in the literature in individuals affected with TSC2-related conditions. ClinVar contains an entry for this variant (Variation ID: 963378). Invitae Evidence Modeling of protein sequence and biophysical properties (such as structural, functional, and spatial information, amino acid conservation, physicochemical variation, residue mobility, and thermodynamic stability) indicates that this missense variant is not expected to disrupt TSC2 protein function with a negative predictive value of 95%. In summary, the available evidence is currently insufficient to determine the role of this variant in disease. Therefore, it has been classified as a Variant of Uncertain Significance.